The following is an entry in ClinVar:

ClinVar aggregate classification (germline): Uncertain significance (1 of 4 stars; one submission).

Conditions:
Hereditary cancer-predisposing syndrome. Also called: Tumor predisposition; Hereditary neoplastic syndrome; Hereditary Cancer Syndrome; Neoplastic Syndromes, Hereditary. Identifiers: Orphanet 140162, MedGen C0027672, MeSH D009386, MONDO:0015356.

Submission:

Ambry Genetics
Classification: Uncertain significance for Hereditary cancer-predisposing syndrome. Last evaluated: 2024-03-13. Review status: criteria provided, single submitter. Criteria: Ambry Variant Classification Scheme 2023. Collection method: clinical testing. Allele origin: germline.
Comment: The p.A716S variant (also known as c.2146G>T), located in coding exon 14 of the CTNNA1 gene, results from a G to T substitution at nucleotide position 2146. The alanine at codon 716 is replaced by serine, an amino acid with similar properties. This amino acid position is conserved. In addition, the in silico prediction for this alteration is inconclusive. Based on the available evidence, the clinical significance of this alteration remains unclear.

NM_001903.5(CTNNA1):c.2146G>T (p.Ala716Ser)

Gene: CTNNA1 (catenin alpha 1; plus strand). Cytogenetic location: 5q31.2.
Variant type: single nucleotide variant.
Coding change: c.2146G>T on transcript NM_001903.5 (MANE Select); coding-DNA position 2146, G replaced by T.
Protein change: p.Ala716Ser; replaces alanine 716 with serine.
Molecular consequence: missense variant.
Genome position (GRCh38, 1-based): chr5:138,930,608, G>T. VCF-style: chr5-138930608-G-T. GRCh37 (hg19) VCF-style: chr5-138266297-G-T.
Other names: c.2146G>T, p.Ala716Ser (NM_001290307.3, NM_001323982.2, NM_001323983.1 and 2 more transcripts); c.1837G>T, p.Ala613Ser (NM_001290309.3); c.1777G>T, p.Ala593Ser (NM_001290310.3); c.1036G>T, p.Ala346Ser (NM_001290312.1, NM_001323987.1, NM_001323988.1 and 17 more transcripts); c.2053G>T, p.Ala685Ser (NM_001323986.2); c.697G>T, p.Ala233Ser (NM_001324006.1, NM_001324007.1, NM_001324008.1 and 2 more transcripts); c.943G>T, p.Ala315Ser (NM_001324011.1); c.793G>T, p.Ala265Ser (NM_001324012.1, NM_001324013.1); short protein forms A233S, A265S, A315S, A346S, A593S, A613S, A685S, A716S.
Identifiers: ClinVar variation 3221897 (VCV003221897.1), dbSNP rs2150334892, ClinGen allele CA361133610.